The following is an entry in ClinVar:

ClinVar aggregate classification (germline): Uncertain significance (1 of 4 stars; one submission).

Conditions:
Developmental and epileptic encephalopathy, 32 (DEE32). Also called: Epileptic encephalopathy, early infantile, 32. Identifiers: Orphanet 442835, MedGen C4225350, MONDO:0014607, OMIM 616366.

Submission:

3billion
Classification: Uncertain significance for Developmental and epileptic encephalopathy, 32. Last evaluated: 2024-06-27. Review status: criteria provided, single submitter. Criteria: ACMG Guidelines, 2015. Collection method: clinical testing. Allele origin: germline. Affected: yes.
Comment: The variant is not observed in the gnomAD v4.0.0 dataset. Predicted Consequence/Location: Missense changes are a common disease-causing mechanism. Damaging effect on gene or gene product predicted by in silico programs is uncertain [REVEL: 0.45 (damaging >=0.6, benign <0.4), 3Cnet: 0.12 (damaging >=0.6, benign <0.15)]. Therefore, this variant is classified as VUS according to the recommendation of ACMG/AMP guideline.

NM_004974.4(KCNA2):c.1483A>T (p.Met495Leu)

Gene: KCNA2 (potassium voltage-gated channel subfamily A member 2; minus strand). Cytogenetic location: 1p13.3.
Variant type: single nucleotide variant.
Coding change: c.1483A>T on transcript NM_004974.4 (MANE Select); coding-DNA position 1483, A replaced by T.
Protein change: p.Met495Leu; replaces methionine 495 with leucine.
Molecular consequence: missense variant. On other transcripts: intron variant (1).
Genome position (GRCh38, 1-based): chr1:110,603,300, T>A on the plus strand (A>T on the coding strand, the complement: KCNA2 is on the minus strand). VCF-style: chr1-110603300-T-A. GRCh37 (hg19) VCF-style: chr1-111145922-T-A.
Other names: c.894+589A>T (NM_001204269.2); short protein forms M495L.
Identifiers: ClinVar variation 4292839 (VCV004292839.1).